The following is an entry in ClinVar:

ClinVar aggregate classification (germline): Benign (1 of 4 stars; one submission).

Allele frequency attached by ClinVar (database versions not stated): TOPMed 0.26306; 1000 Genomes Project 30x 0.27530; gnomAD 0.27708; 1000 Genomes Project 0.28195; gnomAD exomes 0.30849.
gnomAD v4.1: 373,896 of 1,227,052 alleles (30%); highest among the groups gnomAD compares: East Asian, 43%; 58,977 homozygotes.

Submission:

Unidad de Genómica Garrahan, Hospital de Pediatría Garrahan
Classification: Benign. Last evaluated: 2024-01-24. Review status: criteria provided, single submitter. Criteria: ACMG Guidelines, 2015. Collection method: clinical testing. Allele origin: germline. Affected: no. Observed: 39 variant alleles.
Comment: This variant is classified as Benign based on local population frequency. This variant was detected in 41% of patients studied by a panel of primary immunodeficiencies. Number of patients: 39. Only high quality variants are reported.

NM_018518.5(MCM10):c.1516+72C>T

Gene: MCM10 (minichromosome maintenance 10 replication initiation factor; plus strand). Cytogenetic location: 10p13.
Variant type: single nucleotide variant.
Coding change: c.1516+72C>T on transcript NM_018518.5 (MANE Select); 72 bases into the intron after coding-DNA position 1516, C replaced by T.
Molecular consequence: intron variant.
Genome position (GRCh38, 1-based): chr10:13,191,471, C>T. VCF-style: chr10-13191471-C-T. GRCh37 (hg19) VCF-style: chr10-13233471-C-T.
Other names: c.1519+72C>T (NM_182751.3).
Identifiers: ClinVar variation 2688178 (VCV002688178.2), dbSNP rs7916762, ClinGen allele CA13237503.